The following is an entry in ClinVar:

NM_004817.4(TJP2):c.246T>C (p.Asn82=)

Gene: TJP2 (tight junction protein 2; plus strand). Cytogenetic location: 9q21.11.
Variant type: single nucleotide variant.
Coding change: c.246T>C on transcript NM_004817.4 (MANE Select); coding-DNA position 246, T replaced by C.
Protein change: p.Asn82=; no amino-acid change (asparagine 82 retained).
Molecular consequence: synonymous variant.
Genome position (GRCh38, 1-based): chr9:69,218,263, T>C. VCF-style: chr9-69218263-T-C. GRCh37 (hg19) VCF-style: chr9-71833179-T-C.
Other names: c.177T>C, p.Asn59= (NM_001170414.2, NM_001369870.1, NM_001369871.1); c.258T>C, p.Asn86= (NM_001170415.1, NM_001369874.1, NM_001369875.1); c.339T>C, p.Asn113= (NM_001170416.2); c.246T>C, p.Asn82= (NM_001369872.1, NM_001369873.1, NM_201629.3).
Identifiers: ClinVar variation 4985708 (VCV004985708.1).

ClinVar aggregate classification (germline): Likely benign (1 of 4 stars; one submission).

Conditions:
TJP2-related disorder. Also called: TJP2-related condition.

gnomAD v4.1: 13 of 1,613,154 alleles (0.00081%); highest among the groups gnomAD compares: Non-Finnish European, 0.001%; no homozygotes.

Submission:

PreventionGenetics, part of Exact Sciences
Classification: Likely benign for TJP2-related condition. Last evaluated: 2026-02-04. Review status: criteria provided, single submitter. Criteria: ACMG Guidelines, 2015. Collection method: clinical testing. Allele origin: germline.
Comment: This variant is classified as likely benign based on ACMG/AMP sequence variant interpretation guidelines (Richards et al. 2015 PMID: 25741868, with internal and published modifications).